The following is an entry in ClinVar:

NM_001329943.3(KIAA0586):c.1078A>T (p.Arg360Trp)

Gene: KIAA0586 (KIAA0586; plus strand). Cytogenetic location: 14q23.1.
Variant type: single nucleotide variant.
Coding change: c.1078A>T on transcript NM_001329943.3 (MANE Select); coding-DNA position 1078, A replaced by T.
Protein change: p.Arg360Trp; replaces arginine 360 with tryptophan.
Molecular consequence: missense variant.
Genome position (GRCh38, 1-based): chr14:58,450,695, A>T. VCF-style: chr14-58450695-A-T. GRCh37 (hg19) VCF-style: chr14-58917413-A-T.
Other names: c.1237A>T, p.Arg413Trp (NM_001244189.2); c.1033A>T, p.Arg345Trp (NM_001244190.2); c.823A>T, p.Arg275Trp (NM_001244191.2, NM_001329945.2, NM_001364700.1 and 1 more transcripts); c.946A>T, p.Arg316Trp (NM_001244192.2); c.658A>T, p.Arg220Trp (NM_001244193.2); c.1078A>T, p.Arg360Trp (NM_001329944.2, NM_001329946.2, NM_001329947.2 and 1 more transcripts); c.1078A>T (NM_014749.3); short protein forms R275W, R345W, R220W, R413W, R316W, R360W.
Identifiers: ClinVar variation 1516261 (VCV001516261.6), dbSNP rs932782936, ClinGen allele CA261617908.

ClinVar aggregate classification (germline): Uncertain significance. Review status: criteria provided, multiple submitters, no conflicts (2 of 4 stars). 3 submissions from 3 submitters: Uncertain significance (3). Last evaluated 2024-03-07.

Conditions:
Joubert syndrome 23 (JBTS23). Identifiers: Orphanet 475, MedGen C4084822, MONDO:0014664, OMIM 616490.
Short-rib thoracic dysplasia 14 with polydactyly (SRTD14). Identifiers: Orphanet 397715, MedGen C4225286, MONDO:0014688, OMIM 616546.
Inborn genetic diseases. Identifiers: MedGen C0950123, MeSH D030342.

Allele frequency attached by ClinVar (database versions not stated): gnomAD 0.00001; TOPMed 0.00002.
gnomAD v4.1: 14 of 1,609,442 alleles (0.00087%); highest among the groups gnomAD compares: Middle Eastern, 0.066%; no homozygotes.

Submissions (3):

Ambry Genetics
Classification: Uncertain significance for Inborn genetic diseases. Last evaluated: 2024-03-07. Review status: criteria provided, single submitter. Criteria: Ambry Variant Classification Scheme 2023. Collection method: clinical testing. Allele origin: germline.

Labcorp Genetics (formerly Invitae), Labcorp
Classification: Uncertain significance for Joubert syndrome 23; Short-rib thoracic dysplasia 14 with polydactyly. Last evaluated: 2022-09-06. Review status: criteria provided, single submitter. Criteria: Invitae Variant Classification Sherloc (09022015). Collection method: clinical testing. Allele origin: germline.
Comment: This variant has not been reported in the literature in individuals affected with KIAA0586-related conditions. This variant is present in population databases (no rsID available, gnomAD 0.002%). This sequence change replaces arginine, which is basic and polar, with tryptophan, which is neutral and slightly polar, at codon 413 of the KIAA0586 protein (p.Arg413Trp). ClinVar contains an entry for this variant (Variation ID: 1516261). In summary, the available evidence is currently insufficient to determine the role of this variant in disease. Therefore, it has been classified as a Variant of Uncertain Significance. Algorithms developed to predict the effect of missense changes on protein structure and function are either unavailable or do not agree on the potential impact of this missense change (SIFT: "Deleterious"; PolyPhen-2: "Probably Damaging"; Align-GVGD: "Class C0").

GeneDx
Classification: Uncertain significance. Last evaluated: 2022-02-21. Review status: criteria provided, single submitter. Criteria: GeneDx Variant Classification Process June 2021. Collection method: clinical testing. Allele origin: germline. Affected: yes.
Comment: Not observed at significant frequency in large population cohorts (gnomAD); In silico analysis supports that this missense variant has a deleterious effect on protein structure/function; Has not been previously published as pathogenic or benign to our knowledge